The following is an entry in ClinVar:

NC_000010.11:g.(?_53806579)_(54664262_?)del

Gene: PCDH15 (protocadherin related 15; minus strand). Cytogenetic location: 10q21.1.
Variant type: Deletion.
Identifiers: ClinVar variation 833392 (VCV000833392.2).

ClinVar aggregate classification (germline): Pathogenic (1 of 4 stars; one submission).

Submission:

Labcorp Genetics (formerly Invitae), Labcorp
Classification: Pathogenic. Last evaluated: 2020-03-29. Review status: criteria provided, single submitter. Criteria: Invitae Variant Classification Sherloc (09022015). Collection method: clinical testing. Allele origin: germline.
Comment: A gross deletion of the genomic region encompassing the full coding sequence of the PCDH15 gene has been identified. The boundaries of this event are unknown as the deletion extends beyond the assayed region for this gene and therefore may encompass additional genes. This variant has not been reported in the literature in individuals with PCDH15-related conditions. Loss-of-function variants in PCDH15 are known to be pathogenic (PMID: 11398101, 11487575, 14570705). For these reasons, this variant has been classified as Pathogenic.

Literature cited by the submitters: PubMed 11398101; PubMed 11487575; PubMed 14570705.